The following is an entry in ClinVar:

ClinVar aggregate classification (germline): Conflicting classifications of pathogenicity. Review status: criteria provided, conflicting classifications (1 of 4 stars). 5 submissions from 5 submitters: Uncertain significance (1); Benign (4). Last evaluated 2026-01-22.

Conditions:
MEGF10-related myopathy (CMYO10A). Also called: Congenital myopathy 10A, severe variant. Identifiers: Orphanet 439212, MedGen C3280679, MONDO:0013731, OMIM 614399.

Allele frequency attached by ClinVar (database versions not stated): gnomAD exomes 0.00138; TOPMed 0.00591; ExAC 0.00168; ESP Exome Variant Server 0.00677; gnomAD 0.00532 and 0.00577; 1000 Genomes Project 0.00579; 1000 Genomes Project 30x 0.00609.
gnomAD v4.1: 1,671 of 1,613,842 alleles (0.1%); highest among the groups gnomAD compares: African/African-American, 1.8%; 12 homozygotes.

Submissions (5):

Labcorp Genetics (formerly Invitae), Labcorp
Classification: Benign for MEGF10-related myopathy. Last evaluated: 2026-01-22. Review status: criteria provided, single submitter. Criteria: Invitae Variant Classification Sherloc (09022015). Collection method: clinical testing. Allele origin: germline.

Mayo Clinic Laboratories, Mayo Clinic
Classification: Benign. Last evaluated: 2025-01-21. Review status: criteria provided, single submitter. Criteria: ACMG Guidelines, 2015. Collection method: clinical testing. Allele origin: germline. Observed: 1 variant allele.
Comment: BA1, BP4_moderate

GeneDx
Classification: Benign. Last evaluated: 2018-06-22. Review status: criteria provided, single submitter. Criteria: GeneDx Variant Classification Process June 2021. Collection method: clinical testing. Allele origin: germline. Affected: yes.

Illumina Laboratory Services, Illumina
Classification: Uncertain significance for MEGF10-related myopathy. Last evaluated: 2018-01-13. Review status: criteria provided, single submitter. Criteria: ICSL Variant Classification Criteria 13 December 2019. Collection method: clinical testing. Allele origin: germline.

PreventionGenetics, part of Exact Sciences
Classification: Benign. Review status: criteria provided, single submitter. Criteria: ACMG Guidelines, 2015. Collection method: clinical testing. Allele origin: germline.

NM_001256545.2(MEGF10):c.1046G>A (p.Arg349His)

Gene: MEGF10 (multiple EGF like domains 10; plus strand). Cytogenetic location: 5q23.2.
Variant type: single nucleotide variant.
Coding change: c.1046G>A on transcript NM_001256545.2 (MANE Select); coding-DNA position 1046, G replaced by A.
Protein change: p.Arg349His; replaces arginine 349 with histidine.
Molecular consequence: missense variant.
Genome position (GRCh38, 1-based): chr5:127,410,517, G>A. VCF-style: chr5-127410517-G-A. GRCh37 (hg19) VCF-style: chr5-126746209-G-A.
Other names: p.Arg349His; c.1046G>A, p.Arg349His (NM_001308119.2, NM_001308121.2, NM_032446.3); short protein forms R349H.
Identifiers: ClinVar variation 262059 (VCV000262059.25), dbSNP rs78847357, ClinGen allele CA3391467.
Genomic context (GRCh38, chr5:127,410,517, plus strand): 5'-GAGGGAAGTGTTACCACGTGAGCGGCGCATGCCTCTGTGAAGCAGGCTTTGCTGGCGAGC[G>A]CTGCGAAGCACGCCTGTGTCCTGAGGGGCTCTACGGCATCAAATGTGACAAACGGTGTCC-3'
Protein context (NP_001243474.1, residues 339-359): CLCEAGFAGE[Arg349His]CEARLCPEGL